The following is an entry in ClinVar:

ClinVar aggregate classification (germline): Pathogenic (1 of 4 stars; one submission).

Conditions:
Hereditary nonpolyposis colorectal neoplasms. Identifiers: MedGen C0009405, MeSH D003123.

Submission:

Labcorp Genetics (formerly Invitae), Labcorp
Classification: Pathogenic for Hereditary nonpolyposis colorectal neoplasms. Last evaluated: 2018-02-25. Review status: criteria provided, single submitter. Criteria: Invitae Variant Classification Sherloc (09022015). Collection method: clinical testing. Allele origin: germline.
Comment: For these reasons, this variant has been classified as Pathogenic. Loss-of-function variants in PMS2 are known to be pathogenic (PMID: 21376568, 24362816). This variant has not been reported in the literature in individuals with PMS2-related disease. This variant is not present in population databases (ExAC no frequency). This sequence change creates a premature translational stop signal (p.Thr439Aspfs*19) in the PMS2 gene. It is expected to result in an absent or disrupted protein product.

Literature cited by the submitters: PubMed 21376568; PubMed 24362816.

NM_000535.7(PMS2):c.1313dup (p.Thr439fs)

Gene: PMS2 (PMS1 homolog 2, mismatch repair system component; minus strand). Cytogenetic location: 7p22.1.
Variant type: Duplication.
Coding change: c.1313dup on transcript NM_000535.7 (MANE Select); coding-DNA position 1313, one base duplicated (A; older notation c.1313dupA).
Protein change: p.Thr439fs; shifts the reading frame from threonine 439.
Molecular consequence: frameshift variant. On other transcripts: non-coding transcript variant (1).
Genome position (GRCh38, 1-based): chr7:5,987,452, T duplicated on the plus strand (A on the coding strand, the reverse complement: PMS2 is on the minus strand); the first of 3 consecutive T bases (chr7:5,987,452-5,987,454); duplicating any one gives the same sequence. VCF-style (leftmost placement, unchanged base first): chr7-5987451-C-CT. GRCh37 (hg19) VCF-style: chr7-6027082-C-CT.
Other names: c.908dup, p.Thr304fs (NM_001322003.2, NM_001322004.2, NM_001322005.2 and 1 more transcripts); c.1157dup, p.Thr387fs (NM_001322006.2); c.995dup, p.Thr333fs (NM_001322007.2, NM_001322008.2); c.752dup, p.Thr252fs (NM_001322010.2); c.380dup, p.Thr128fs (NM_001322011.2, NM_001322012.2); c.740dup, p.Thr248fs (NM_001322013.2); c.1313dup, p.Thr439fs (NM_001322014.2); c.1004dup, p.Thr336fs (NM_001322015.2); and 1 more; short protein forms T128fs, T304fs, T333fs, T387fs, T248fs, T252fs, T336fs, T439fs.
Identifiers: ClinVar variation 568315 (VCV000568315.6), dbSNP rs1562634737, ClinGen allele CA891842813.